The following is an entry in ClinVar:

NM_004821.3(HAND1):c.111G>C (p.Gln37His)

Gene: HAND1 (heart and neural crest derivatives expressed 1; minus strand). Cytogenetic location: 5q33.2.
Variant type: single nucleotide variant.
Coding change: c.111G>C on transcript NM_004821.3 (MANE Select); coding-DNA position 111, G replaced by C.
Protein change: p.Gln37His; replaces glutamine 37 with histidine.
Molecular consequence: missense variant.
Genome position (GRCh38, 1-based): chr5:154,477,898, C>G on the plus strand (G>C on the coding strand, the complement: HAND1 is on the minus strand). VCF-style: chr5-154477898-C-G. GRCh37 (hg19) VCF-style: chr5-153857458-C-G.
Other names: short protein forms Q37H.
Identifiers: ClinVar variation 2854719 (VCV002854719.3), dbSNP rs759535790, ClinGen allele CA3526641.

ClinVar aggregate classification (germline): Uncertain significance (1 of 4 stars; one submission).

Conditions:
Hypoplastic left heart syndrome. Also called: Hypoplastic left heart; Hypoplastic left ventricle. Identifiers: Orphanet 2248, MedGen C0152101, MONDO:0004933, HP:0004383.

Allele frequency attached by ClinVar (database versions not stated): TOPMed below 0.00001; ExAC 0.00001; gnomAD 0.00001.
gnomAD v4.1: 1 of 1,600,050 alleles (0.000062%); highest among the groups gnomAD compares: Non-Finnish European, 0.000085%; no homozygotes.

Submission:

Labcorp Genetics (formerly Invitae), Labcorp
Classification: Uncertain significance for Hypoplastic left heart syndrome. Last evaluated: 2023-07-09. Review status: criteria provided, single submitter. Criteria: Invitae Variant Classification Sherloc (09022015). Collection method: clinical testing. Allele origin: germline.
Comment: In summary, the available evidence is currently insufficient to determine the role of this variant in disease. Therefore, it has been classified as a Variant of Uncertain Significance. An algorithm developed to predict the effect of missense changes on protein structure and function (PolyPhen-2) suggests that this variant is likely to be tolerated. This variant has not been reported in the literature in individuals affected with HAND1-related conditions. This variant is not present in population databases (gnomAD no frequency). This sequence change replaces glutamine, which is neutral and polar, with histidine, which is basic and polar, at codon 37 of the HAND1 protein (p.Gln37His).